The following is an entry in ClinVar:

NM_000038.6(APC):c.5325A>C (p.Pro1775=)

Gene: APC (APC regulator of Wnt signaling pathway; plus strand). Cytogenetic location: 5q22.2.
Variant type: single nucleotide variant.
Coding change: c.5325A>C on transcript NM_000038.6 (MANE Select); coding-DNA position 5325, A replaced by C.
Protein change: p.Pro1775=; no amino-acid change (proline 1775 retained).
Molecular consequence: synonymous variant. On other transcripts: non-coding transcript variant (2).
Genome position (GRCh38, 1-based): chr5:112,840,919, A>C. VCF-style: chr5-112840919-A-C. GRCh37 (hg19) VCF-style: chr5-112176616-A-C.
Other names: c.5325A>C (NM_000038.5); c.5325A>C, p.Pro1775= (NM_001127510.3, NM_001354895.2, NM_001407450.1); c.5271A>C, p.Pro1757= (NM_001127511.3); c.5379A>C, p.Pro1793= (NM_001354896.2, NM_001407447.1, NM_001407448.1 and 1 more transcripts); c.5355A>C, p.Pro1785= (NM_001354897.2); c.5250A>C, p.Pro1750= (NM_001354898.2); c.5241A>C, p.Pro1747= (NM_001354899.2); c.5202A>C, p.Pro1734= (NM_001354900.2); and 12 more.
Identifiers: ClinVar variation 2759216 (VCV002759216.5), dbSNP rs2149937554, ClinGen allele CA446208793.

ClinVar aggregate classification (germline): Benign/Likely benign. Review status: criteria provided, multiple submitters, no conflicts (2 of 4 stars). 3 submissions from 3 submitters: Benign (1); Likely benign (2). Last evaluated 2026-03-15.

Conditions:
Hereditary cancer-predisposing syndrome. Also called: Tumor predisposition; Hereditary neoplastic syndrome; Neoplastic Syndromes, Hereditary; Hereditary Cancer Syndrome. Identifiers: Orphanet 140162, MedGen C0027672, MeSH D009386, MONDO:0015356.
Familial adenomatous polyposis 1 (FAP1). Also called: FAMILIAL ADENOMATOUS POLYPOSIS 1, ATTENUATED; POLYPOSIS, ADENOMATOUS INTESTINAL. Identifiers: MedGen C2713442, MONDO:0021056, OMIM 175100. Disease mechanism: loss of function.

Submissions (3):

Ambry Genetics
Classification: Likely benign for Hereditary cancer-predisposing syndrome. Last evaluated: 2026-03-15. Review status: criteria provided, single submitter. Criteria: Ambry Variant Classification Scheme 2023. Collection method: clinical testing. Allele origin: germline.

Myriad Genetics, Inc.
Classification: Benign for Familial adenomatous polyposis 1. Last evaluated: 2024-04-01. Review status: criteria provided, single submitter. Criteria: Myriad Autosomal Dominant, Autosomal Recessive and X-Linked Classification Criteria (2023). Collection method: clinical testing. Allele origin: unknown.
Comment: This variant is considered benign. This variant is a silent/synonymous amino acid change and it is not expected to impact splicing.

Labcorp Genetics (formerly Invitae), Labcorp
Classification: Likely benign for Familial adenomatous polyposis 1. Last evaluated: 2023-08-18. Review status: criteria provided, single submitter. Criteria: Invitae Variant Classification Sherloc (09022015). Collection method: clinical testing. Allele origin: germline.